The following is an entry in ClinVar:

NM_000202.8(IDS):c.748_749delinsA (p.Ala250fs)

Genes: IDS (iduronate 2-sulfatase; minus strand), LOC106050102 (IDS recombination region; plus strand). Cytogenetic location: Xq28.
Variant type: Indel.
Coding change: c.748_749delinsA on transcript NM_000202.8 (MANE Select); coding-DNA positions 748 to 749, GC replaced by A.
Protein change: p.Ala250fs; shifts the reading frame from alanine 250.
Molecular consequence: frameshift variant. On other transcripts: non-coding transcript variant (1).
Genome position (GRCh38, 1-based): chrX:149,496,476-149,496,477, GC replaced by T on the plus strand (GC replaced by A on the coding strand, the reverse complement: IDS is on the minus strand). VCF-style: chrX-149496476-GC-T. GRCh37 (hg19) VCF-style: chrX-148578007-GC-T.
Other names: c.478_479delinsA, p.Ala160fs (NM_001166550.4); c.748_749delinsA, p.Ala250fs (NM_006123.5); short protein forms A160fs, A250fs.
Identifiers: ClinVar variation 3255828 (VCV003255828.2).

ClinVar aggregate classification (germline): Pathogenic (1 of 4 stars; one submission).

Conditions:
Mucopolysaccharidosis, MPS-II (MPS2). Also called: Hunter Syndrome; IDURONATE 2-SULFATASE DEFICIENCY; Mucopolysaccharidosis Type II; Mucopolysaccharidosis type 2; Attenuated MPS (subtype; formerly known as mild MPS II); Severe MPS II. Identifiers: Orphanet 580, Orphanet 79388, MedGen C0026705, MONDO:0010674, OMIM 309900.

Submission:

Laboratory of Diagnosis and Therapy of Lysosomal Disorders, University of Padova
Classification: Pathogenic for Mucopolysaccharidosis, MPS-II. Last evaluated: 2024-06-07. Review status: criteria provided, single submitter. Criteria: ACMG Guidelines, 2015. Collection method: literature only. Allele origin: germline. Affected: yes. Observed: 1 variant allele.
Comment: Null variant (PVS1_VeryStrong), In vitro or in vivo functional studies supportive of a damaging effect (PS3_Strong), Absent from controls (or at low frequency) in gnomAD database (PM2_Moderate), Patient’s phenotype or family history highly specific for the disease (PP4_Strong)

Classification method: ACMG Guidelines [PMID:25741868] with modifications

Literature cited by the submitters: PubMed 30639582.